The following is an entry in ClinVar:

ClinVar aggregate classification (germline): Uncertain significance (1 of 4 stars; one submission).

Conditions:
Cardiovascular phenotype. Identifiers: MedGen CN230736.

gnomAD v4.1: 1 of 1,549,590 alleles (0.000065%); highest among the groups gnomAD compares: Non-Finnish European, 0.000087%; no homozygotes.

Submission:

Ambry Genetics
Classification: Uncertain significance for Cardiovascular phenotype. Last evaluated: 2025-04-13. Review status: criteria provided, single submitter. Criteria: Ambry Variant Classification Scheme 2023. Collection method: clinical testing. Allele origin: germline.
Comment: The p.P342L variant (also known as c.1025C>T), located in coding exon 2 of the RBM20 gene, results from a C to T substitution at nucleotide position 1025. The proline at codon 342 is replaced by leucine, an amino acid with similar properties. This amino acid position is conserved. In addition, this alteration is predicted to be tolerated by in silico analysis. Based on the available evidence, the clinical significance of this variant remains unclear.

NM_001134363.3(RBM20):c.1025C>T (p.Pro342Leu)

Gene: RBM20 (RNA binding motif protein 20; plus strand). Cytogenetic location: 10q25.2.
Variant type: single nucleotide variant.
Coding change: c.1025C>T on transcript NM_001134363.3 (MANE Select); coding-DNA position 1025, C replaced by T.
Protein change: p.Pro342Leu; replaces proline 342 with leucine.
Molecular consequence: missense variant.
Genome position (GRCh38, 1-based): chr10:110,781,634, C>T. VCF-style: chr10-110781634-C-T. GRCh37 (hg19) VCF-style: chr10-112541392-C-T.
Other names: short protein forms P342L.
Identifiers: ClinVar variation 3943626 (VCV003943626.1).